The following is an entry in ClinVar:

ClinVar aggregate classification (germline): Pathogenic. Review status: criteria provided, single submitter (1 of 4 stars). 2 submissions from 2 submitters: Pathogenic (1). 1 of the submissions does not count toward it. Last evaluated 2022-11-07.

Conditions:
Developmental and epileptic encephalopathy, 7 (DEE7). Also called: KCNQ2-Related Neonatal Epileptic Encephalopathy; Early infantile epileptic encephalopathy 7; KCNQ2-Related Neonatal-Onset Developmental and Epileptic Encephalopathy (NEO-DEE). Identifiers: Orphanet 439218, MedGen C3150986, MONDO:0013387, OMIM 613720.

Submissions (8):

GeneDx
Classification: Pathogenic. Last evaluated: 2022-11-07. Review status: criteria provided, single submitter. Criteria: GeneDx Variant Classification Process June 2021. Collection method: clinical testing. Allele origin: germline. Affected: yes.
Comment: In silico analysis supports that this missense variant has a deleterious effect on protein structure/function; Missense variants in this gene are often considered pathogenic (HGMD); Not observed in large population cohorts (gnomAD); This variant is associated with the following publications: (PMID: 25985138, 31552204, 29369293, 27602407, 24463883)

Channelopathy-Associated Epilepsy Research Center
No classification provided (evidence only). Condition: Complex neurodevelopmental disorder. Review status: no classification provided. Collection method: literature only. Allele origin: not applicable. Functional consequence: Severe decrease in peak current, Severe slowing of activation, Normal voltage dependence of activation. Not counted in ClinVar's aggregate classification.
ClinVar note: "not provided" was previously submitted as the classification for the variant. However, the classification appeared to be based only on an observation of functional data so it was converted to no classification on 2025-07-30.

Channelopathy-Associated Epilepsy Research Center
No classification provided (evidence only). Review status: no classification provided. Collection method: in vitro. Allele origin: not applicable. Functional consequence: Decrease in peak current. Not counted in ClinVar's aggregate classification.

Channelopathy-Associated Epilepsy Research Center
No classification provided (evidence only). Review status: no classification provided. Collection method: in vitro. Allele origin: not applicable. Functional consequence: Decrease in peak current. Not counted in ClinVar's aggregate classification.

Channelopathy-Associated Epilepsy Research Center
No classification provided (evidence only). Review status: no classification provided. Collection method: in vitro. Allele origin: not applicable. Functional consequence: Normal voltage dependence of activation. Not counted in ClinVar's aggregate classification.

Channelopathy-Associated Epilepsy Research Center
No classification provided (evidence only). Review status: no classification provided. Collection method: in vitro. Allele origin: not applicable. Functional consequence: Normal slope of activation. Not counted in ClinVar's aggregate classification.

Channelopathy-Associated Epilepsy Research Center
No classification provided (evidence only). Review status: no classification provided. Collection method: in vitro. Allele origin: not applicable. Functional consequence: Normal rate of activation. Not counted in ClinVar's aggregate classification.

GeneReviews
No classification provided. Condition: Developmental and epileptic encephalopathy, 7. Review status: no classification provided. Collection method: literature only. Allele origin: germline. Affected: yes. Not counted in ClinVar's aggregate classification.
Comment: EE (epileptic encephalopathy)

Literature cited by the submitters: PubMed 35104249 (cited by Channelopathy-Associated Epilepsy Research Center); PubMed 24463883 (cited by GeneReviews); NCBI Bookshelf NBK32534 (cited by GeneReviews).

NM_172107.4(KCNQ2):c.827C>T (p.Thr276Ile)

Gene: KCNQ2 (potassium voltage-gated channel subfamily Q member 2; minus strand). Cytogenetic location: 20q13.33.
Variant type: single nucleotide variant.
Coding change: c.827C>T on transcript NM_172107.4 (MANE Select); coding-DNA position 827, C replaced by T.
Protein change: p.Thr276Ile; replaces threonine 276 with isoleucine.
Molecular consequence: missense variant.
Genome position (GRCh38, 1-based): chr20:63,439,698, G>A on the plus strand (C>T on the coding strand, the complement: KCNQ2 is on the minus strand). VCF-style: chr20-63439698-G-A. GRCh37 (hg19) VCF-style: chr20-62071051-G-A.
Other names: c.827C>T, p.Thr276Ile (NM_004518.6, NM_172106.3, NM_172108.5 and 1 more transcripts); short protein forms T276I.
Identifiers: ClinVar variation 369764 (VCV000369764.9), dbSNP rs1057516095, ClinGen allele CA10654815.